The following is an entry in ClinVar:

ClinVar aggregate classification (germline): Uncertain significance. Review status: criteria provided, multiple submitters, no conflicts (2 of 4 stars). 2 submissions from 2 submitters: Uncertain significance (2). Last evaluated 2025-01-29.

Conditions:
Pure or complex autosomal recessive spastic paraplegia. Identifiers: Orphanet 320346, MedGen C5679887, MONDO:0017915.

Allele frequency attached by ClinVar (database versions not stated): ExAC 0.00007; gnomAD exomes 0.00010 and 0.00016; gnomAD 0.00011 and 0.00013; TOPMed 0.00011; ESP Exome Variant Server 0.00023.
gnomAD v4.1: 244 of 1,613,980 alleles (0.015%); highest among the groups gnomAD compares: Non-Finnish European, 0.02%; no homozygotes.

Submissions (2):

Ambry Genetics
Classification: Uncertain significance. Last evaluated: 2025-01-29. Review status: criteria provided, single submitter. Criteria: Ambry Variant Classification Scheme 2023. Collection method: clinical testing. Allele origin: germline.

Labcorp Genetics (formerly Invitae), Labcorp
Classification: Uncertain significance for Pure or complex autosomal recessive spastic paraplegia. Last evaluated: 2024-10-10. Review status: criteria provided, single submitter. Criteria: Invitae Variant Classification Sherloc (09022015). Collection method: clinical testing. Allele origin: germline.
Comment: This sequence change replaces arginine, which is basic and polar, with lysine, which is basic and polar, at codon 669 of the ZFR protein (p.Arg669Lys). This variant is present in population databases (rs143530492, gnomAD 0.02%). This variant has not been reported in the literature in individuals affected with ZFR-related conditions. ClinVar contains an entry for this variant (Variation ID: 640258). Experimental studies and prediction algorithms are not available or were not evaluated, and the functional significance of this variant is currently unknown. In summary, the available evidence is currently insufficient to determine the role of this variant in disease. Therefore, it has been classified as a Variant of Uncertain Significance.

NM_016107.5(ZFR):c.2006G>A (p.Arg669Lys)

Gene: ZFR (zinc finger RNA binding protein; minus strand). Cytogenetic location: 5p13.3.
Variant type: single nucleotide variant.
Coding change: c.2006G>A on transcript NM_016107.5 (MANE Select); coding-DNA position 2006, G replaced by A.
Protein change: p.Arg669Lys; replaces arginine 669 with lysine.
Molecular consequence: missense variant. On other transcripts: non-coding transcript variant (1).
Genome position (GRCh38, 1-based): chr5:32,390,411, C>T on the plus strand (G>A on the coding strand, the complement: ZFR is on the minus strand). VCF-style: chr5-32390411-C-T. GRCh37 (hg19) VCF-style: chr5-32390517-C-T.
Other names: short protein forms R669K.
Identifiers: ClinVar variation 640258 (VCV000640258.9), dbSNP rs143530492, ClinGen allele CA3221695.